The following is an entry in ClinVar:

ClinVar aggregate classification (germline): Uncertain significance. Review status: criteria provided, multiple submitters, no conflicts (2 of 4 stars). 3 submissions from 3 submitters: Uncertain significance (3). Last evaluated 2025-03-17.

Conditions:
Hereditary sensory neuropathy-deafness-dementia syndrome. Also called: NEUROPATHY, HEREDITARY SENSORY, WITH HEARING LOSS AND DEMENTIA; Hereditary sensory neuropathy type IE; HSN IE; Hereditary Sensory and Autonomic Neuropathy Type 1E (HSAN1E). Identifiers: Orphanet 456318, MedGen C3279885, MONDO:0013584, OMIM 614116.

Allele frequency attached by ClinVar (database versions not stated): gnomAD exomes below 0.00001.
gnomAD v4.1: 3 of 1,614,172 alleles (0.00019%); highest among the groups gnomAD compares: Non-Finnish European, 0.00025%; no homozygotes.

Submissions (3):

Labcorp Genetics (formerly Invitae), Labcorp
Classification: Uncertain significance for Hereditary sensory neuropathy-deafness-dementia syndrome. Last evaluated: 2025-03-17. Review status: criteria provided, single submitter. Criteria: Invitae Variant Classification Sherloc (09022015). Collection method: clinical testing. Allele origin: germline.
Comment: This sequence change affects a donor splice site in intron 17 of the DNMT1 gene. It is expected to disrupt RNA splicing. Variants that disrupt the donor or acceptor splice site typically lead to a loss of protein function (PMID: 16199547), however the current clinical and genetic evidence is not sufficient to establish whether loss-of-function variants in DNMT1 cause disease. This variant is present in population databases (no rsID available, gnomAD 0.0009%). This variant has not been reported in the literature in individuals affected with DNMT1-related conditions. ClinVar contains an entry for this variant (Variation ID: 2440976). In summary, the available evidence is currently insufficient to determine the role of this variant in disease. Therefore, it has been classified as a Variant of Uncertain Significance.

GeneDx
Classification: Uncertain significance. Last evaluated: 2023-03-10. Review status: criteria provided, single submitter. Criteria: GeneDx Variant Classification Process June 2021. Collection method: clinical testing. Allele origin: germline. Affected: yes.
Comment: Not observed at significant frequency in large population cohorts (gnomAD); Canonical splice site variant in a gene or region of a gene for which loss of function is not a well-established mechanism of disease; Has not been previously published as pathogenic or benign to our knowledge

Revvity Omics, Revvity
Classification: Uncertain significance. Last evaluated: 2020-04-02. Review status: criteria provided, single submitter. Criteria: ACMG Guidelines, 2015. Collection method: clinical testing. Allele origin: germline.

Literature cited by the submitters: PubMed 16199547 (cited by Labcorp Genetics (formerly Invitae), Labcorp).

NM_001130823.3(DNMT1):c.1280+2T>C

Gene: DNMT1 (DNA methyltransferase 1; minus strand). Cytogenetic location: 19p13.2.
Variant type: single nucleotide variant.
Coding change: c.1280+2T>C on transcript NM_001130823.3 (MANE Select); the canonical splice donor site of the intron after coding-DNA position 1280, T replaced by C.
Molecular consequence: splice donor variant.
Genome position (GRCh38, 1-based): chr19:10,159,656, A>G on the plus strand (T>C on the coding strand, the complement: DNMT1 is on the minus strand). VCF-style: chr19-10159656-A-G. GRCh37 (hg19) VCF-style: chr19-10270332-A-G.
Other names: c.917+2T>C (NM_001318731.2); c.1232+2T>C (NM_001379.4, NM_001318730.2).
Identifiers: ClinVar variation 2440976 (VCV002440976.7), dbSNP rs1344636403, ClinGen allele CA403938656.
Genomic context (GRCh38, chr19:10,159,656, plus strand): 5'-CAGGCACCTCTGGGGATGTGCCTCCTTCCACGAAGCAAACATGCACACGAAAGTGCACTT[A>G]CCTGAAGCAGGTCAGTTTGTGCTGGGGAAGCGCCTCATAACTCTCAAAGCCAGACTCGTT-3'